The following is an entry in ClinVar:

NM_002397.5(MEF2C):c.941C>G (p.Ala314Gly)

Gene: MEF2C (myocyte enhancer factor 2C; minus strand). Cytogenetic location: 5q14.3.
Variant type: single nucleotide variant.
Coding change: c.941C>G on transcript NM_002397.5 (MANE Select); coding-DNA position 941, C replaced by G.
Protein change: p.Ala314Gly; replaces alanine 314 with glycine.
Molecular consequence: missense variant.
Genome position (GRCh38, 1-based): chr5:88,729,241, G>C on the plus strand (C>G on the coding strand, the complement: MEF2C is on the minus strand). VCF-style: chr5-88729241-G-C. GRCh37 (hg19) VCF-style: chr5-88025058-G-C.
Other names: c.911C>G, p.Ala304Gly (NM_001131005.2, NM_001364343.2, NM_001364352.2); c.971C>G, p.Ala324Gly (NM_001193347.1, NM_001364338.2); c.773C>G, p.Ala258Gly (NM_001193348.1); c.797C>G, p.Ala266Gly (NM_001193349.3, NM_001364332.2, NM_001364344.2 and 2 more transcripts); c.941C>G, p.Ala314Gly (NM_001193350.2, NM_001363581.2, NM_001364329.2 and 9 more transcripts); c.917C>G, p.Ala306Gly (NM_001308002.3, NM_001364333.2, NM_001364339.2 and 6 more transcripts); c.563C>G, p.Ala188Gly (NM_001364353.2, NM_001364356.2); c.491C>G, p.Ala164Gly (NM_001364357.2); short protein forms A304G, A314G, A164G, A266G, A306G, A324G, A188G, A258G.
Identifiers: ClinVar variation 424443 (VCV000424443.2), dbSNP rs1064796969, ClinGen allele CA16618219.

ClinVar aggregate classification (germline): Uncertain significance (1 of 4 stars; one submission).

Allele frequency attached by ClinVar (database versions not stated): gnomAD exomes below 0.00001.
gnomAD v4.1: 2 of 1,613,170 alleles (0.00012%); highest among the groups gnomAD compares: Non-Finnish European, 0.00017%; no homozygotes.

Submission:

GeneDx
Classification: Uncertain significance. Last evaluated: 2017-10-16. Review status: criteria provided, single submitter. Criteria: GeneDx Variant Classification (06012015). Collection method: clinical testing. Allele origin: germline. Affected: yes.
Comment: A variant of uncertain significance has been identified in the MEF2C gene. The A314G variant has not been published as a pathogenic variant, nor has it been reported as a benign variant to our knowledge. The A314G variant is not observed in large population cohorts (Lek et al., 2016; 1000 Genomes Consortium et al., 2015; Exome Variant Server). This substitution occurs at a position that is conserved across species. However, the A314G variant is a conservative amino acid substitution, which is not likely to impact secondary protein structure as these residues share similar properties. In silico analysis is inconsistent in its predictions as to whether or not the variant is damaging to the protein structure/function. Therefore, based on the currently available information, it is unclear whether this variant is a pathogenic variant or a rare benign variant